The following is an entry in ClinVar:

NM_019892.6(INPP5E):c.1154G>A (p.Cys385Tyr)

Gene: INPP5E (inositol polyphosphate-5-phosphatase E; minus strand). Cytogenetic location: 9q34.3.
Variant type: single nucleotide variant.
Coding change: c.1154G>A on transcript NM_019892.6 (MANE Select); coding-DNA position 1154, G replaced by A.
Protein change: p.Cys385Tyr; replaces cysteine 385 with tyrosine.
Molecular consequence: missense variant.
Genome position (GRCh38, 1-based): chr9:136,433,160, C>T on the plus strand (G>A on the coding strand, the complement: INPP5E is on the minus strand). VCF-style: chr9-136433160-C-T. GRCh37 (hg19) VCF-style: chr9-139327612-C-T.
Other names: c.1154G>A, p.Cys385Tyr (NM_001318502.2); short protein forms C385Y.
Identifiers: ClinVar variation 217659 (VCV000217659.4), dbSNP rs863225200, ClinGen allele CA279366.

ClinVar aggregate classification (germline): Pathogenic/Likely pathogenic. Review status: criteria provided, multiple submitters, no conflicts (2 of 4 stars). 2 submissions from 2 submitters: Pathogenic (1); Likely pathogenic (1). Last evaluated 2025-01-03.

Conditions:
Joubert syndrome and related disorders. Identifiers: Orphanet 140874, MedGen C5679612, MONDO:0015369.
Joubert syndrome. Also called: CEREBELLOPARENCHYMAL DISORDER IV; JOUBERT-BOLTSHAUSER SYNDROME; Familial aplasia of the vermis. Identifiers: Orphanet 475, MedGen C5979921, MONDO:0018772.

Submissions (2):

Women's Health and Genetics/Laboratory Corporation of America, LabCorp
Classification: Likely pathogenic for Joubert syndrome and related disorders. Last evaluated: 2025-01-03. Review status: criteria provided, single submitter. Criteria: LabCorp Variant Classification Summary - May 2015. Collection method: clinical testing. Allele origin: germline.
Comment: Variant summary: INPP5E c.1154G>A (p.Cys385Tyr) results in a non-conservative amino acid change located in the Inositol polyphosphate-related phosphatase domain (IPR000300) of the encoded protein sequence. Five of five in-silico tools predict a damaging effect of the variant on protein function. The variant was absent in 243822 control chromosomes.c.1154G>A has been reported in the literature as a homozygous genotype in individuals affected with Joubert Syndrome And Related Disorders (example, Bachmann-Gagescu_2015, Gorukmez_2023). These data indicate that the variant is likely to be associated with disease. To our knowledge, no experimental evidence demonstrating an impact on protein function has been reported. The following publications have been ascertained in the context of this evaluation (PMID: 26092869, 36964972). ClinVar contains an entry for this variant (Variation ID: 217659). Based on the evidence outlined above, the variant was classified as likely pathogenic.

UW Hindbrain Malformation Research Program, University of Washington
Classification: Pathogenic for Joubert syndrome 1. Last evaluated: 2015-02-23. Review status: criteria provided, single submitter. Criteria: Bachmann-Gagescu et al. (J Med Genet. 2015). Collection method: research. Allele origin: unknown. Affected: yes.

Literature cited by the submitters: PubMed 26092869 (cited by Women's Health and Genetics/Laboratory Corporation of America, LabCorp); PubMed 36964972 (cited by Women's Health and Genetics/Laboratory Corporation of America, LabCorp).